The following is an entry in ClinVar:

NM_006012.4(CLPP):c.660C>T (p.Ile220=)

Gene: CLPP (caseinolytic mitochondrial matrix peptidase proteolytic subunit; plus strand). Cytogenetic location: 19p13.3.
Variant type: single nucleotide variant.
Coding change: c.660C>T on transcript NM_006012.4 (MANE Select); coding-DNA position 660, C replaced by T.
Protein change: p.Ile220=; no amino-acid change (isoleucine 220 retained).
Molecular consequence: synonymous variant.
Genome position (GRCh38, 1-based): chr19:6,366,362, C>T. VCF-style: chr19-6366362-C-T. GRCh37 (hg19) VCF-style: chr19-6366373-C-T.
Identifiers: ClinVar variation 3371870 (VCV003371870.1).

ClinVar aggregate classification (germline): Uncertain significance (1 of 4 stars; one submission).

gnomAD v4.1: 21 of 1,604,386 alleles (0.0013%); highest among the groups gnomAD compares: East Asian, 0.027%; no homozygotes.

Submission:

GeneDx
Classification: Uncertain significance. Last evaluated: 2024-04-03. Review status: criteria provided, single submitter. Criteria: GeneDx Variant Classification Process June 2021. Collection method: clinical testing. Allele origin: germline. Affected: yes.
Comment: In silico analysis suggests this variant may impact gene splicing. In the absence of RNA/functional studies, the actual effect of this sequence change is unknown.; Has not been previously published as pathogenic or benign to our knowledge